The following is an entry in ClinVar:

ClinVar aggregate classification (germline): Pathogenic. Review status: reviewed by expert panel (3 of 4 stars). 2 submissions from 2 submitters: Pathogenic (1). 1 of the submissions does not count toward it. Last evaluated 2019-04-03.

Conditions:
Phenylketonuria (PKU). Also called: Phenylketonuria (PKU); FOLLING DISEASE; OLIGOPHRENIA PHENYLPYRUVICA; Phenylketonurias. Identifiers: Orphanet 716, MedGen C0031485, MONDO:0009861, OMIM 261600. Disease mechanism: loss of function.

Submissions (2):

ClinGen PAH Variant Curation Expert Panel
Classification: Pathogenic for Phenylketonuria. Last evaluated: 2019-04-03. Review status: reviewed by expert panel. Criteria: ClinGen PAH ACMG Specifications v1. Collection method: curation. Allele origin: germline. Inheritance: Autosomal recessive inheritance.
Comment: BH4 deficiency was not excluded (PP4). The variant is a frameshift variant occurring in exon 2 of 13 in the in the canonical transcript of PAH, a gene fulfilling the most recent criteria for LOF being a known disease mechanism (see PMID: 30192042) (PVS1). It is absent from control databases including ethnically matched individuals, including gnomAD/ExAC, 1000 Genomes, and ESP (PM2). In summary, this variant meets criteria to be classified as pathogenic for PAH. PAH-specific ACMG/AMP criteria applied: PVS1, PP4, PM2.

DeBelle Laboratory for Biochemical Genetics, MUHC/MCH RESEARCH INSTITUTE
No classification provided. Review status: no classification provided. Collection method: not provided. Allele origin: not provided. Not counted in ClinVar's aggregate classification.

Literature cited by the submitters: PubMed 16256386 (cited by ClinGen PAH Variant Curation Expert Panel).

NM_000277.3(PAH):c.111dup (p.Ile38fs)

Gene: PAH (phenylalanine hydroxylase; minus strand). Cytogenetic location: 12q23.2.
Variant type: Duplication.
Coding change: c.111dup on transcript NM_000277.3 (MANE Select); coding-DNA position 111, one base duplicated (G; older notation c.111dupG).
Protein change: p.Ile38fs; shifts the reading frame from isoleucine 38.
Molecular consequence: frameshift variant.
Genome position (GRCh38, 1-based): chr12:102,912,848, C duplicated on the plus strand (G on the coding strand, the reverse complement: PAH is on the minus strand). VCF-style (leftmost placement, unchanged base first): chr12-102912847-T-TC. GRCh37 (hg19) VCF-style: chr12-103306625-T-TC.
Other names: c.111dup, p.Ile38fs (NM_001354304.2); short protein forms I38fs.
Identifiers: ClinVar variation 102531 (VCV000102531.2), dbSNP rs199475674, ClinGen allele CA229354.
Genomic context (GRCh38, chr12:102,912,847, plus strand): 5'-TGACCTCAAATAAGCGCAATACTTTGGCCAATGCACCAACTTCTTCTTTGAGTGAGAAGA[T>TC]CAGTGATATGGCACCATTTTGATTGCAGTTGTCTTCAATATAGCTTGTTTCCTACAGGAT-3'